The following is an entry in ClinVar:

ClinVar aggregate classification (germline): Benign. Review status: criteria provided, multiple submitters, no conflicts (2 of 4 stars). 2 submissions from 2 submitters: Benign (2). Last evaluated 2018-01-13.

Conditions:
Diabetes insipidus, nephrogenic, autosomal (NDI2). Also called: Nephrogenic Diabetes Insipidus, Type II; Diabetes insipidus, nephrogenic, 2, autosomal. Identifiers: Orphanet 223, MedGen C1563706, MONDO:0007451, OMIM 125800.

Allele frequency attached by ClinVar (database versions not stated): 1000 Genomes Project 30x 0.88663; 1000 Genomes Project 0.88878; TOPMed 0.91061; gnomAD 0.91514 and 0.91821; gnomAD exomes 0.97333.
gnomAD v4.1: 140,121 of 152,436 alleles (92%); highest among the groups gnomAD compares: Non-Finnish European, 100%; 65,207 homozygotes.

Submissions (2):

Illumina Laboratory Services, Illumina
Classification: Benign for Diabetes insipidus, nephrogenic, autosomal. Last evaluated: 2018-01-13. Review status: criteria provided, single submitter. Criteria: ICSL Variant Classification Criteria 13 December 2019. Collection method: clinical testing. Allele origin: germline.
Comment: This variant was observed in the ICSL laboratory as part of a predisposition screen in an ostensibly healthy population. It had not been previously curated by ICSL or reported in the Human Gene Mutation Database (HGMD: prior to June 1st, 2018), and was therefore a candidate for classification through an automated scoring system. Utilizing variant allele frequency, disease prevalence and penetrance estimates, and inheritance mode, an automated score was calculated to assess if this variant is too frequent to cause the disease. Based on the score and internal cut-off values, a variant classified as benign is not then subjected to further curation. The score for this variant resulted in a classification of benign for this disease.

Breakthrough Genomics
Classification: Benign. Review status: criteria provided, single submitter. Criteria: ACMG Guidelines, 2015. Collection method: not provided. Allele origin: germline. Inheritance: Autosomal dominant inheritance. Affected: yes.

NM_000486.6(AQP2):c.*1562T>C

Genes: AQP2 (aquaporin 2; plus strand), AQP5-AS1 (AQP5 and AQP2 antisense RNA 2; minus strand). Cytogenetic location: 12q13.12.
Variant type: single nucleotide variant.
Coding change: c.*1562T>C on transcript NM_000486.6 (MANE Select); 1562 bases downstream of the stop codon, T replaced by C.
Molecular consequence: 3 prime UTR variant.
Genome position (GRCh38, 1-based): chr12:49,957,170, T>C. VCF-style: chr12-49957170-T-C. GRCh37 (hg19) VCF-style: chr12-50350953-T-C.
Identifiers: ClinVar variation 309255 (VCV000309255.6), dbSNP rs296766, ClinGen allele CA10633046.